The following is an entry in ClinVar:

NM_000719.7(CACNA1C):c.4477C>G (p.His1493Asp)

Gene: CACNA1C (calcium voltage-gated channel subunit alpha1 C; plus strand). Cytogenetic location: 12p13.33.
Variant type: single nucleotide variant.
Coding change: c.4477C>G on transcript NM_000719.7 (MANE Select); coding-DNA position 4477, C replaced by G.
Protein change: p.His1493Asp; replaces histidine 1493 with aspartic acid.
Molecular consequence: missense variant.
Genome position (GRCh38, 1-based): chr12:2,665,659, C>G. VCF-style: chr12-2665659-C-G. GRCh37 (hg19) VCF-style: chr12-2774825-C-G.
Other names: c.4621C>G, p.His1541Asp (NM_001129827.2, NM_199460.4); c.4543C>G, p.His1515Asp (NM_001129829.2); c.4477C>G, p.His1493Asp (NM_001129830.3, NM_001129833.2, NM_001129834.2 and 7 more transcripts); c.4561C>G, p.His1521Asp (NM_001129831.2); c.4537C>G, p.His1513Asp (NM_001129832.2); c.4528C>G, p.His1510Asp (NM_001129836.2); c.4444C>G, p.His1482Asp (NM_001129837.2, NM_001129838.2, NM_001129846.2 and 1 more transcripts); c.4438C>G, p.His1480Asp (NM_001129839.2); and 1 more; short protein forms H1490D, H1493D, H1510D, H1515D, H1521D, H1480D, H1482D, H1541D.
Identifiers: ClinVar variation 1740861 (VCV001740861.3), dbSNP rs2529747763, ClinGen allele CA383376273.

ClinVar aggregate classification (germline): Uncertain significance. Review status: criteria provided, multiple submitters, no conflicts (2 of 4 stars). 2 submissions from 2 submitters: Uncertain significance (2). Last evaluated 2026-04-17.

Conditions:
Cardiovascular phenotype. Identifiers: MedGen CN230736.

Submissions (2):

GeneDx
Classification: Uncertain significance. Last evaluated: 2026-04-17. Review status: criteria provided, single submitter. Criteria: GeneDx Variant Classification Process June 2021. Collection method: clinical testing. Allele origin: germline.
Comment: Not observed at significant frequency in large population cohorts (gnomAD); In silico analysis supports that this missense variant has a deleterious effect on protein structure/function; Has not been previously published as pathogenic or benign to our knowledge

Ambry Genetics
Classification: Uncertain significance for Cardiovascular phenotype. Last evaluated: 2021-03-23. Review status: criteria provided, single submitter. Criteria: Ambry Variant Classification Scheme 2023. Collection method: clinical testing. Allele origin: germline.
Comment: The p.H1493D variant (also known as c.4477C>G), located in coding exon 36 of the CACNA1C gene, results from a C to G substitution at nucleotide position 4477. The histidine at codon 1493 is replaced by aspartic acid, an amino acid with similar properties. This amino acid position is highly conserved in available vertebrate species. In addition, this alteration is predicted to be deleterious by in silico analysis. Since supporting evidence is limited at this time, the clinical significance of this alteration remains unclear.